The following is an entry in ClinVar:

NM_001110556.2(FLNA):c.1406C>G (p.Pro469Arg)

Gene: FLNA (filamin A; minus strand). Cytogenetic location: Xq28.
Variant type: single nucleotide variant.
Coding change: c.1406C>G on transcript NM_001110556.2 (MANE Select); coding-DNA position 1406, C replaced by G.
Protein change: p.Pro469Arg; replaces proline 469 with arginine.
Molecular consequence: missense variant.
Genome position (GRCh38, 1-based): chrX:154,366,047, G>C on the plus strand (C>G on the coding strand, the complement: FLNA is on the minus strand). VCF-style: chrX-154366047-G-C. GRCh37 (hg19) VCF-style: chrX-153594415-G-C.
Other names: c.1406C>G, p.Pro469Arg (NM_001456.4); short protein forms P469R.
Identifiers: ClinVar variation 2931037 (VCV002931037.3), dbSNP rs782434140, ClinGen allele CA415243646.

ClinVar aggregate classification (germline): Uncertain significance (1 of 4 stars; one submission).

Conditions:
Oto-palato-digital syndrome, type II (OPD2). Also called: Otopalatodigital Syndrome Type 2 (FLNA-OPD2); FACIOPALATOOSSEOUS SYNDROME; OPD II SYNDROME; Otopalatodigital Syndrome, Type II. Identifiers: Orphanet 669, Orphanet 90652, MedGen C1844696, MONDO:0010571, OMIM 304120.
Heterotopia, periventricular, X-linked dominant (PVNH1). Also called: PERIVENTRICULAR NODULAR HETEROTOPIA 1; X-linked periventricular heterotopia; PERIVENTRICULAR NODULAR HETEROTOPIA 4; HETEROTOPIA, PERIVENTRICULAR, 1. Identifiers: Orphanet 2149, Orphanet 82004, MedGen C1848213, MONDO:0010233, OMIM 300049.
Melnick-Needles syndrome (MNS). Also called: Melnick-Needles Syndrome (FLNA-MNS); MELNICK-NEEDLES OSTEODYSPLASTY; OSTEODYSPLASTY OF MELNICK AND NEEDLES. Identifiers: Orphanet 2484, MedGen C0025237, MONDO:0010650, OMIM 309350.
Frontometaphyseal dysplasia (FMD1). Identifiers: Orphanet 1826, MedGen C0265293, MONDO:0015942.

Allele frequency attached by ClinVar (database versions not stated): TOPMed 0.00002.

Submission:

Labcorp Genetics (formerly Invitae), Labcorp
Classification: Uncertain significance for Oto-palato-digital syndrome, type II; Heterotopia, periventricular, X-linked dominant; Frontometaphyseal dysplasia; Melnick-Needles syndrome. Last evaluated: 2023-09-10. Review status: criteria provided, single submitter. Criteria: Invitae Variant Classification Sherloc (09022015). Collection method: clinical testing. Allele origin: germline.
Comment: In summary, the available evidence is currently insufficient to determine the role of this variant in disease. Therefore, it has been classified as a Variant of Uncertain Significance. Advanced modeling of protein sequence and biophysical properties (such as structural, functional, and spatial information, amino acid conservation, physicochemical variation, residue mobility, and thermodynamic stability) performed at Invitae indicates that this missense variant is expected to disrupt FLNA protein function. This variant has not been reported in the literature in individuals affected with FLNA-related conditions. This variant is not present in population databases (gnomAD no frequency). This sequence change replaces proline, which is neutral and non-polar, with arginine, which is basic and polar, at codon 469 of the FLNA protein (p.Pro469Arg).